The following is an entry in ClinVar:

ClinVar aggregate classification (germline): Pathogenic (1 of 4 stars; one submission).

Submission:

Labcorp Genetics (formerly Invitae), Labcorp
Classification: Pathogenic. Last evaluated: 2022-07-30. Review status: criteria provided, single submitter. Criteria: Invitae Variant Classification Sherloc (09022015). Collection method: clinical testing. Allele origin: germline.
Comment: This sequence change creates a premature translational stop signal (p.Thr1886Asnfs*23) in the ADGRV1 gene. It is expected to result in an absent or disrupted protein product. Loss-of-function variants in ADGRV1 are known to be pathogenic (PMID: 19357117, 22135276, 22147658, 26226137, 30718709, 31047384, 32467589). This variant is not present in population databases (gnomAD no frequency). This variant has not been reported in the literature in individuals affected with ADGRV1-related conditions. For these reasons, this variant has been classified as Pathogenic.

Literature cited by the submitters: PubMed 19357117; PubMed 22135276; PubMed 22147658; PubMed 26226137; PubMed 30718709; PubMed 31047384; PubMed 32467589.

NM_032119.4(ADGRV1):c.5656dup (p.Thr1886fs)

Gene: ADGRV1 (adhesion G protein-coupled receptor V1; plus strand). Cytogenetic location: 5q14.3.
Variant type: Duplication.
Coding change: c.5656dup on transcript NM_032119.4 (MANE Select); coding-DNA position 5656, one base duplicated (A; older notation c.5656dupA).
Protein change: p.Thr1886fs; shifts the reading frame from threonine 1886.
Molecular consequence: frameshift variant. On other transcripts: non-coding transcript variant (1).
Genome position (GRCh38, 1-based): chr5:90,681,446, A duplicated. VCF-style (leftmost placement, unchanged base first): chr5-90681445-T-TA. GRCh37 (hg19) VCF-style: chr5-89977262-T-TA.
Other names: short protein forms T1886fs.
Identifiers: ClinVar variation 2020573 (VCV002020573.4), dbSNP rs2530798042, ClinGen allele CA2580073725.